The following is an entry in ClinVar:

NM_000090.4(COL3A1):c.4203G>C (p.Lys1401Asn)

Gene: COL3A1 (collagen type III alpha 1 chain; plus strand). Cytogenetic location: 2q32.2.
Variant type: single nucleotide variant.
Coding change: c.4203G>C on transcript NM_000090.4 (MANE Select); coding-DNA position 4203, G replaced by C.
Protein change: p.Lys1401Asn; replaces lysine 1401 with asparagine.
Molecular consequence: missense variant.
Genome position (GRCh38, 1-based): chr2:189,010,839, G>C. VCF-style: chr2-189010839-G-C. GRCh37 (hg19) VCF-style: chr2-189875565-G-C.
Other names: short protein forms K1401N.
Identifiers: ClinVar variation 3902726 (VCV003902726.1).
Genomic context (GRCh38, chr2:189,010,839, plus strand): 5'-GGCCAGTGGAAATGTAAAGAAGGCCCTGAAGCTGATGGGGTCAAATGAAGGTGAATTCAA[G>C]GCTGAAGGAAATAGCAAATTCACCTACACAGTTCTGGAGGATGGTTGCACGGTAGGAAAC-3'
Protein context (NP_000081.2, residues 1391-1411): KLMGSNEGEF[Lys1401Asn]AEGNSKFTYT

ClinVar aggregate classification (germline): Uncertain significance (1 of 4 stars; one submission).

gnomAD v4.1: 1 of 1,614,152 alleles (0.000062%); highest among the groups gnomAD compares: Non-Finnish European, 0.000085%; no homozygotes.

Submission:

Women's Health and Genetics/Laboratory Corporation of America, LabCorp
Classification: Uncertain significance. Last evaluated: 2025-05-23. Review status: criteria provided, single submitter. Criteria: LabCorp Variant Classification Summary - May 2015. Collection method: clinical testing. Allele origin: germline.
Comment: Variant summary: COL3A1 c.4203G>C (p.Lys1401Asn) results in a non-conservative amino acid change located in the C-terminal non-collagenous domain (IPR000885) of the encoded protein sequence. Algorithms developed to predict the effect of missense changes on protein structure and function are either unavailable or do not agree on the potential impact of this missense change. The variant allele was found at a frequency of 6.2e-07 in 1607180 control chromosomes in the gnomAD database (v4.1 dataset). The available data on variant occurrences in the general population are insufficient to allow any conclusion about variant significance. To our knowledge, no occurrence of c.4203G>C in individuals affected with Aortopathy and no experimental evidence demonstrating its impact on protein function have been reported. No submitters have cited clinical-significance assessments for this variant to ClinVar. Based on the evidence outlined above, the variant was classified as uncertain significance.